The following is an entry in ClinVar:

ClinVar aggregate classification (germline): Uncertain significance (1 of 4 stars; one submission).

Conditions:
Dystonic disorder. Also called: Dystonia. Identifiers: MedGen C0013421, MONDO:0003441, HP:0001332.

Submission:

Labcorp Genetics (formerly Invitae), Labcorp
Classification: Uncertain significance for Dystonic disorder. Last evaluated: 2022-03-20. Review status: criteria provided, single submitter. Criteria: Invitae Variant Classification Sherloc (09022015). Collection method: clinical testing. Allele origin: germline.
Comment: In summary, the available evidence is currently insufficient to determine the role of this variant in disease. Therefore, it has been classified as a Variant of Uncertain Significance. Advanced modeling of protein sequence and biophysical properties (such as structural, functional, and spatial information, amino acid conservation, physicochemical variation, residue mobility, and thermodynamic stability) performed at Invitae indicates that this missense variant is expected to disrupt ANO3 protein function. This variant has not been reported in the literature in individuals affected with ANO3-related conditions. This variant is not present in population databases (gnomAD no frequency). This sequence change replaces aspartic acid, which is acidic and polar, with tyrosine, which is neutral and polar, at codon 165 of the ANO3 protein (p.Asp165Tyr).

NM_031418.4(ANO3):c.493G>T (p.Asp165Tyr)

Gene: ANO3 (anoctamin 3; plus strand). Cytogenetic location: 11p14.2.
Variant type: single nucleotide variant.
Coding change: c.493G>T on transcript NM_031418.4 (MANE Select); coding-DNA position 493, G replaced by T.
Protein change: p.Asp165Tyr; replaces aspartic acid 165 with tyrosine.
Molecular consequence: missense variant.
Genome position (GRCh38, 1-based): chr11:26,508,164, G>T. VCF-style: chr11-26508164-G-T. GRCh37 (hg19) VCF-style: chr11-26529711-G-T.
Other names: c.676G>T, p.Asp226Tyr (NM_001313726.2); c.55G>T, p.Asp19Tyr (NM_001313727.2); short protein forms D226Y, D165Y, D19Y.
Identifiers: ClinVar variation 2109634 (VCV002109634.4), dbSNP rs1229131409, ClinGen allele CA379928709.
Genomic context (GRCh38, chr11:26,508,164, plus strand): 5'-AATGACATGAATTACATAGCATCCAGTGGACCTCTGTTCAAAGATGGCAAAAAGAGAATT[G>T]ATTACATCTTGGTTTATAGAAAGACAAATATACAATATGATAAAAGAAACACATTTGAAA-3'
Protein context (NP_113606.2, residues 155-175): PLFKDGKKRI[Asp165Tyr]YILVYRKTNI